The following is an entry in ClinVar:

NM_001105206.3(LAMA4):c.2779T>G (p.Trp927Gly)

Genes: LAMA4 (laminin subunit alpha 4; minus strand), LOC126859766 (MED14-independent group 3 enhancer GRCh37_chr6:112462018-112463217; plus strand). Cytogenetic location: 6q21.
Variant type: single nucleotide variant.
Coding change: c.2779T>G on transcript NM_001105206.3 (MANE Select); coding-DNA position 2779, T replaced by G.
Protein change: p.Trp927Gly; replaces tryptophan 927 with glycine.
Molecular consequence: missense variant.
Genome position (GRCh38, 1-based): chr6:112,141,392, A>C on the plus strand (T>G on the coding strand, the complement: LAMA4 is on the minus strand). VCF-style: chr6-112141392-A-C. GRCh37 (hg19) VCF-style: chr6-112462594-A-C.
Other names: p.W920G:TGG>GGG; c.2758T>G, p.Trp920Gly (NM_001105207.3, NM_002290.5); short protein forms W920G, W927G.
Identifiers: ClinVar variation 213588 (VCV000213588.4), dbSNP rs863223686, ClinGen allele CA320104.

ClinVar aggregate classification (germline): Uncertain significance (1 of 4 stars; one submission).

Allele frequency attached by ClinVar (database versions not stated): gnomAD 0.00001; TOPMed 0.00002.
gnomAD v4.1: 1 of 1,614,068 alleles (0.000062%); highest among the groups gnomAD compares: Admixed American, 0.0017%; no homozygotes.

Submission:

GeneDx
Classification: Uncertain significance. Last evaluated: 2015-05-26. Review status: criteria provided, single submitter. Criteria: GeneDx Variant Classification (06012015). Collection method: clinical testing. Allele origin: germline. Affected: yes.
Comment: p.Trp920Gly (W920G) (TGG>GGG): c.2758 T>G in exon 21 of the LAMA4 gene (NM_002290.3). A variant of unknown significance has been identified in the LAMA4 gene. The W920G variant has not been published as a mutation reported as a benign polymorphism to our knowledge. The W920G variant was not observed in approximately 6500 individuals of European and African American ancestry in the NHLBI Exome Sequencing Project, indicating it is not a common benign variant in these populations. The W920G variant is a semi-conservative amino acid substitution, which may impact secondary protein structure as these residues differ in some properties. This substitution occurs at a position that is conserved across species. However, in silico analysis is inconsistent in its predictions as to whether or not the variant is damaging to the protein structure/function. Therefore, based on the currently available information, it is unclear whether this variant is a pathogenic mutation or a rare benign variant. This variant was found in CRDMV2-PANCARD